The following is an entry in ClinVar:

ClinVar aggregate classification (germline): Uncertain significance (1 of 4 stars; one submission).

Submission:

Clinical Genomics Laboratory, Laboratory for Precision Diagnostics, University of Washington
Classification: Uncertain significance. Last evaluated: 2017-07-21. Review status: criteria provided, single submitter. Criteria: Clinical Cytogenomics Laboratory Policy on CNV Interpretation. Collection method: clinical testing. Allele origin: unknown. Affected: yes. Observed: 1 variant allele.

Literature cited by the submitters: PubMed 27824727; PubMed 24757835; PubMed 23835509; PubMed 26188007; PubMed 23164820; PubMed 20876472; PubMed 23740672; PubMed 19636047; PubMed 21360662; PubMed 16769863; PubMed 23616242; PubMed 24694762; PubMed 27042285.

GRCh37/hg19 6q26(chr6:162459664-162917942)x3

Gene: PRKN (parkin RBR E3 ubiquitin protein ligase; minus strand). Cytogenetic location: 6q26.
Variant type: copy number gain.
Change: copy number 3 (three copies instead of two) of chr6:162,459,664-162,917,942 (458.3 kb, GRCh37 coordinates, 1-based), cytogenetic band 6q26.
Identifiers: ClinVar variation 503574 (VCV000503574.3).